The following is an entry in ClinVar:

ClinVar aggregate classification (germline): Uncertain significance (1 of 4 stars; one submission).

Conditions:
Encephalopathy, acute, infection-induced (herpes-specific), susceptibility to, 1. Also called: Herpes simplex encephalitis, susceptibility to, 1. Identifiers: Orphanet 1930, MedGen C2750180, MONDO:0024563, OMIM 610551.

Allele frequency attached by ClinVar (database versions not stated): gnomAD exomes below 0.00001.
gnomAD v4.1: 1 of 1,613,836 alleles (0.000062%); highest among the groups gnomAD compares: African/African-American, 0.0013%; no homozygotes.

Submission:

Labcorp Genetics (formerly Invitae), Labcorp
Classification: Uncertain significance for Encephalopathy, acute, infection-induced (herpes-specific), susceptibility to, 1. Last evaluated: 2018-10-19. Review status: criteria provided, single submitter. Criteria: Invitae Variant Classification Sherloc (09022015). Collection method: clinical testing. Allele origin: germline.
Comment: In summary, the available evidence is currently insufficient to determine the role of this variant in disease. Therefore, it has been classified as a Variant of Uncertain Significance. Algorithms developed to predict the effect of missense changes on protein structure and function are either unavailable or do not agree on the potential impact of this missense change (SIFT: "Tolerated"; PolyPhen-2: "Probably Damaging"; Align-GVGD: "Not available"). This variant has not been reported in the literature in individuals with UNC93B1-related disease. This variant is not present in population databases (ExAC no frequency). This sequence change replaces tyrosine with histidine at codon 196 of the UNC93B1 protein (p.Tyr196His). The tyrosine residue is highly conserved and there is a moderate physicochemical difference between tyrosine and histidine.

NM_030930.4(UNC93B1):c.586T>C (p.Tyr196His)

Gene: UNC93B1 (unc-93B1 regulator of TLR signaling; minus strand). Cytogenetic location: 11q13.2.
Variant type: single nucleotide variant.
Coding change: c.586T>C on transcript NM_030930.4 (MANE Select); coding-DNA position 586, T replaced by C.
Protein change: p.Tyr196His; replaces tyrosine 196 with histidine.
Molecular consequence: missense variant.
Genome position (GRCh38, 1-based): chr11:67,999,274, A>G on the plus strand (T>C on the coding strand, the complement: UNC93B1 is on the minus strand). VCF-style: chr11-67999274-A-G. GRCh37 (hg19) VCF-style: chr11-67766744-A-G.
Other names: short protein forms Y196H.
Identifiers: ClinVar variation 647061 (VCV000647061.7), dbSNP rs1590762298, ClinGen allele CA381576145.